The following is an entry in ClinVar:

ClinVar aggregate classification (germline): Uncertain significance. Review status: criteria provided, multiple submitters, no conflicts (2 of 4 stars). 2 submissions from 2 submitters: Uncertain significance (2). Last evaluated 2024-05-22.

Conditions:
Hereditary cancer-predisposing syndrome. Also called: Neoplastic Syndromes, Hereditary; Hereditary neoplastic syndrome; Hereditary Cancer Syndrome; Tumor predisposition. Identifiers: Orphanet 140162, MedGen C0027672, MeSH D009386, MONDO:0015356.
POLD1-related polyposis and colorectal cancer syndrome (CRCS10). Also called: Colorectal cancer, susceptibility to, 10; Colorectal cancer 10; COLORECTAL CANCER, SUSCEPTIBILITY TO, ON CHROMOSOME 19q. Identifiers: Orphanet 220460, MedGen C2675481, MONDO:0012953, OMIM 612591.

Allele frequency attached by ClinVar (database versions not stated): gnomAD exomes below 0.00001.
gnomAD v4.1: 1 of 1,597,580 alleles (0.000063%); highest among the groups gnomAD compares: Middle Eastern, 0.017%; no homozygotes.

Submissions (2):

Labcorp Genetics (formerly Invitae), Labcorp
Classification: Uncertain significance for POLD1-related polyposis and colorectal cancer syndrome. Last evaluated: 2024-05-22. Review status: criteria provided, single submitter. Criteria: Invitae Variant Classification Sherloc (09022015). Collection method: clinical testing. Allele origin: germline.
Comment: This sequence change replaces aspartic acid, which is acidic and polar, with glycine, which is neutral and non-polar, at codon 1068 of the POLD1 protein (p.Asp1068Gly). This variant is not present in population databases (gnomAD no frequency). This variant has not been reported in the literature in individuals affected with POLD1-related conditions. ClinVar contains an entry for this variant (Variation ID: 407964). Advanced modeling of protein sequence and biophysical properties (such as structural, functional, and spatial information, amino acid conservation, physicochemical variation, residue mobility, and thermodynamic stability) has been performed at Invitae for this missense variant, however the output from this modeling did not meet the statistical confidence thresholds required to predict the impact of this variant on POLD1 protein function. In summary, the available evidence is currently insufficient to determine the role of this variant in disease. Therefore, it has been classified as a Variant of Uncertain Significance.

Ambry Genetics
Classification: Uncertain significance for Hereditary cancer-predisposing syndrome. Last evaluated: 2023-10-27. Review status: criteria provided, single submitter. Criteria: Ambry Variant Classification Scheme 2023. Collection method: clinical testing. Allele origin: germline.
Comment: The p.D1068G variant (also known as c.3203A>G), located in coding exon 25 of the POLD1 gene, results from an A to G substitution at nucleotide position 3203. The aspartic acid at codon 1068 is replaced by glycine, an amino acid with similar properties. This amino acid position is conserved. In addition, the in silico prediction for this alteration is inconclusive. Since supporting evidence is limited at this time, the clinical significance of this alteration remains unclear.

NM_002691.4(POLD1):c.3203A>G (p.Asp1068Gly)

Gene: POLD1 (DNA polymerase delta 1, catalytic subunit; plus strand). Cytogenetic location: 19q13.33.
Variant type: single nucleotide variant.
Coding change: c.3203A>G on transcript NM_002691.4 (MANE Select); coding-DNA position 3203, A replaced by G.
Protein change: p.Asp1068Gly; replaces aspartic acid 1068 with glycine.
Molecular consequence: missense variant. On other transcripts: non-coding transcript variant (1).
Genome position (GRCh38, 1-based): chr19:50,417,254, A>G. VCF-style: chr19-50417254-A-G. GRCh37 (hg19) VCF-style: chr19-50920511-A-G.
Other names: c.3203A>G, p.Asp1068Gly (NM_001256849.1); c.3281A>G, p.Asp1094Gly (NM_001308632.1); c.3203A>G (NM_002691.2); short protein forms D1068G, D1094G.
Identifiers: ClinVar variation 407964 (VCV000407964.8), dbSNP rs1060501805, ClinGen allele CA16616425.